The following is an entry in ClinVar:

ClinVar aggregate classification (germline): Uncertain significance. Review status: criteria provided, multiple submitters, no conflicts (2 of 4 stars). 2 submissions from 2 submitters: Uncertain significance (2). Last evaluated 2025-08-03.

Conditions:
Inborn genetic diseases. Identifiers: MedGen C0950123, MeSH D030342.

Allele frequency attached by ClinVar (database versions not stated): gnomAD exomes below 0.00001; gnomAD 0.00001; TOPMed 0.00001.
gnomAD v4.1: 5 of 1,612,408 alleles (0.00031%); highest among the groups gnomAD compares: Non-Finnish European, 0.00042%; no homozygotes.

Submissions (2):

Ambry Genetics
Classification: Uncertain significance for Inborn genetic diseases. Last evaluated: 2025-08-03. Review status: criteria provided, single submitter. Criteria: Ambry Variant Classification Scheme 2023. Collection method: clinical testing. Allele origin: germline.

GeneDx
Classification: Uncertain significance. Last evaluated: 2023-07-12. Review status: criteria provided, single submitter. Criteria: GeneDx Variant Classification Process June 2021. Collection method: clinical testing. Allele origin: germline. Affected: yes.
Comment: Not observed at significant frequency in large population cohorts (gnomAD); In silico analysis supports that this missense variant has a deleterious effect on protein structure/function; Has not been previously published as pathogenic or benign to our knowledge

NM_005051.3(QARS1):c.869A>G (p.Tyr290Cys)

Gene: QARS1 (glutaminyl-tRNA synthetase 1; minus strand). Cytogenetic location: 3p21.31.
Variant type: single nucleotide variant.
Coding change: c.869A>G on transcript NM_005051.3 (MANE Select); coding-DNA position 869, A replaced by G.
Protein change: p.Tyr290Cys; replaces tyrosine 290 with cysteine.
Molecular consequence: missense variant. On other transcripts: non-coding transcript variant (1).
Genome position (GRCh38, 1-based): chr3:49,101,362, T>C on the plus strand (A>G on the coding strand, the complement: QARS1 is on the minus strand). VCF-style: chr3-49101362-T-C. GRCh37 (hg19) VCF-style: chr3-49138795-T-C.
Other names: c.836A>G, p.Tyr279Cys (NM_001272073.2); c.869A>G (NM_005051.1); short protein forms Y279C, Y290C.
Identifiers: ClinVar variation 2574233 (VCV002574233.2), dbSNP rs1243944923, ClinGen allele CA352713906.